The following is an entry in ClinVar:

NM_030662.4(MAP2K2):c.17A>G (p.Lys6Arg)

Genes: MAP2K2 (mitogen-activated protein kinase kinase 2; minus strand), LOC130063193 (ATAC-STARR-seq lymphoblastoid silent region 9881; plus strand). Cytogenetic location: 19p13.3.
Variant type: single nucleotide variant.
Coding change: c.17A>G on transcript NM_030662.4 (MANE Select); coding-DNA position 17, A replaced by G.
Protein change: p.Lys6Arg; replaces lysine 6 with arginine.
Molecular consequence: missense variant.
Genome position (GRCh38, 1-based): chr19:4,123,859, T>C on the plus strand (A>G on the coding strand, the complement: MAP2K2 is on the minus strand). VCF-style: chr19-4123859-T-C. GRCh37 (hg19) VCF-style: chr19-4123856-T-C.
Other names: short protein forms K6R.
Identifiers: ClinVar variation 2011390 (VCV002011390.4), dbSNP rs2145090019, ClinGen allele CA403396060.

ClinVar aggregate classification (germline): Uncertain significance (1 of 4 stars; one submission).

Conditions:
RASopathy. Also called: rasopathies; Noonan spectrum disorder. Identifiers: Orphanet 536391, MedGen C5555857, MONDO:0021060.

Allele frequency attached by ClinVar (database versions not stated): gnomAD exomes below 0.00001.
gnomAD v4.1: 4 of 1,513,550 alleles (0.00026%); highest among the groups gnomAD compares: Non-Finnish European, 0.00035%; no homozygotes.

Submission:

Labcorp Genetics (formerly Invitae), Labcorp
Classification: Uncertain significance for RASopathy. Last evaluated: 2022-06-27. Review status: criteria provided, single submitter. Criteria: Invitae Variant Classification Sherloc (09022015). Collection method: clinical testing. Allele origin: germline.
Comment: This variant has not been reported in the literature in individuals affected with MAP2K2-related conditions. Advanced modeling of protein sequence and biophysical properties (such as structural, functional, and spatial information, amino acid conservation, physicochemical variation, residue mobility, and thermodynamic stability) performed at Invitae indicates that this missense variant is not expected to disrupt MAP2K2 protein function. In summary, the available evidence is currently insufficient to determine the role of this variant in disease. Therefore, it has been classified as a Variant of Uncertain Significance. This variant is not present in population databases (gnomAD no frequency). This sequence change replaces lysine, which is basic and polar, with arginine, which is basic and polar, at codon 6 of the MAP2K2 protein (p.Lys6Arg).